The following is an entry in ClinVar:

NM_001083962.2(TCF4):c.1146+1G>A

Gene: TCF4 (transcription factor 4; minus strand). Cytogenetic location: 18q21.2.
Variant type: single nucleotide variant.
Coding change: c.1146+1G>A on transcript NM_001083962.2 (MANE Select); the canonical splice donor site of the intron after coding-DNA position 1146, G replaced by A.
Molecular consequence: splice donor variant.
Genome position (GRCh38, 1-based): chr18:55,257,314, C>T on the plus strand (G>A on the coding strand, the complement: TCF4 is on the minus strand). VCF-style: chr18-55257314-C-T. GRCh37 (hg19) VCF-style: chr18-52924545-C-T.
Other names: c.1071+1G>A (NM_001369585.1, NM_001369578.1, NM_001369579.1 and 6 more transcripts); c.1074+1G>A (NM_001369583.1, NM_001369575.1, NM_001348219.2 and 5 more transcripts); c.1143+1G>A (NM_001369573.1, NM_001369570.1, NM_001369574.1 and 2 more transcripts); c.1146+1G>A (NM_003199.3, NM_001369571.1, NM_001369567.1 and 2 more transcripts); c.1020+1G>A (NM_001243231.2, NM_001348211.2); c.756+1G>A (NM_001348212.2, NM_001348213.2, NM_001243233.2 and 1 more transcripts); c.663+1G>A (NM_001348214.2); c.666+1G>A (NM_001243235.2, NM_001243234.2, NM_001243236.2 and 1 more transcripts); and 6 more.
Identifiers: ClinVar variation 160076 (VCV000160076.12), dbSNP rs587784458, ClinGen allele CA272697.

ClinVar aggregate classification (germline): Pathogenic. Review status: criteria provided, multiple submitters, no conflicts (2 of 4 stars). 4 submissions from 4 submitters: Pathogenic (3). 1 of the submissions does not count toward it. Last evaluated 2021-02-18.

Conditions:
TCF4-related disorder. Also called: TCF4-related condition.
Pitt-Hopkins syndrome (PTHS). Also called: MENTAL RETARDATION, SYNDROMAL, WITH INTERMITTENT HYPERVENTILATION; ENCEPHALOPATHY, SEVERE EPILEPTIC, WITH AUTONOMIC DYSFUNCTION. Identifiers: Orphanet 2896, MedGen C1970431, MONDO:0012589, OMIM 610954.

Submissions (4):

Blueprint Genetics
Classification: Pathogenic for TCF4-related disorders. Last evaluated: 2021-02-18. Review status: criteria provided, single submitter. Criteria: ACMG Guidelines, 2015. Collection method: clinical testing. Allele origin: germline. Affected: yes. Observed: 1 variant allele.

Centre for Mendelian Genomics, University Medical Centre Ljubljana
Classification: Pathogenic for Pitt-Hopkins syndrome. Last evaluated: 2019-04-04. Review status: criteria provided, single submitter. Criteria: ACMG Guidelines, 2015. Collection method: clinical testing. Allele origin: unknown. Affected: yes.
Comment: This variant was classified as: Pathogenic. The following ACMG criteria were applied in classifying this variant: PVS1,PS1,PM2.

Genetic Services Laboratory, University of Chicago
Classification: Pathogenic for Pitt-Hopkins syndrome. Last evaluated: 2013-02-08. Review status: criteria provided, single submitter. Criteria: ACMG Guidelines, 2007. Collection method: clinical testing. Allele origin: germline. Inheritance: Autosomal dominant inheritance. Affected: yes.

Pediatric Genetics Clinic, Sheba Medical Center
Classification: Pathogenic for Pitt-Hopkins syndrome. Last evaluated: 2021-05-13. Review status: no assertion criteria provided. Collection method: clinical testing. Allele origin: de novo. Affected: yes. Observed: 1 heterozygote. Not counted in ClinVar's aggregate classification.